The following is an entry in ClinVar:

ClinVar aggregate classification (germline): Conflicting classifications of pathogenicity. Review status: criteria provided, conflicting classifications (1 of 4 stars). 2 submissions from 2 submitters: Uncertain significance (1); Likely benign (1). Last evaluated 2025-03-13.

Conditions:
Bardet-Biedl syndrome (BBS). Identifiers: Orphanet 110, MedGen C0752166, MONDO:0015229.
BBS9-related disorder. Also called: BBS9-related condition.

Allele frequency attached by ClinVar (database versions not stated): gnomAD exomes below 0.00001.
gnomAD v4.1: 1 of 1,613,602 alleles (0.000062%); highest among the groups gnomAD compares: African/African-American, 0.0013%; no homozygotes.

Submissions (2):

Labcorp Genetics (formerly Invitae), Labcorp
Classification: Likely benign for Bardet-Biedl syndrome. Last evaluated: 2025-03-13. Review status: criteria provided, single submitter. Criteria: Invitae Variant Classification Sherloc (09022015). Collection method: clinical testing. Allele origin: germline.

PreventionGenetics, part of Exact Sciences
Classification: Uncertain significance for BBS9-related condition. Last evaluated: 2024-10-28. Review status: criteria provided, single submitter. Criteria: ACMG Guidelines, 2015. Collection method: clinical testing. Allele origin: germline.
Comment: The BBS9 c.753C>T variant is not predicted to result in an amino acid change (p.=). This variant is predicted to impact splicing based on splicing prediction programs (SpliceAI, Jaganathan K, et al. 2019. PubMed ID: 30661751). However, the use of computer prediction programs is not equivalent to functional evidence. To our knowledge, this variant has not been reported in the literature or in a large population database (gnomAD), indicating this variant is rare. At this time, the clinical significance of this variant is uncertain due to the absence of conclusive functional and genetic evidence.

NM_198428.3(BBS9):c.753C>T (p.Val251=)

Gene: BBS9 (Bardet-Biedl syndrome 9; plus strand). Cytogenetic location: 7p14.3.
Variant type: single nucleotide variant.
Coding change: c.753C>T on transcript NM_198428.3 (MANE Select); coding-DNA position 753, C replaced by T.
Protein change: p.Val251=; no amino-acid change (valine 251 retained).
Molecular consequence: synonymous variant. On other transcripts: non-coding transcript variant (3).
Genome position (GRCh38, 1-based): chr7:33,273,062, C>T. VCF-style: chr7-33273062-C-T. GRCh37 (hg19) VCF-style: chr7-33312674-C-T.
Other names: c.753C>T, p.Val251= (NM_001033604.2, NM_001033605.2, NM_001348036.1 and 5 more transcripts); c.387C>T, p.Val129= (NM_001348037.3, NM_001348044.3, NM_001348045.3 and 1 more transcripts); c.480C>T, p.Val160= (NM_001348038.3, NM_001348039.3); c.618C>T, p.Val206= (NM_001348042.3); c.753C>T (NM_198428.2).
Identifiers: ClinVar variation 1637022 (VCV001637022.9), dbSNP rs2128344695, ClinGen allele CA454458602.